The following is an entry in ClinVar:

ClinVar aggregate classification (germline): Likely benign. Review status: criteria provided, multiple submitters, no conflicts (2 of 4 stars). 2 submissions from 2 submitters: Likely benign (2). Last evaluated 2026-01-05.

Conditions:
Spastic paraplegia. Identifiers: MedGen C0037772, HP:0001258.

Allele frequency attached by ClinVar (database versions not stated): gnomAD exomes 0.00001 and 0.00002; ExAC 0.00002.

Submissions (2):

Labcorp Genetics (formerly Invitae), Labcorp
Classification: Likely benign for Spastic paraplegia. Last evaluated: 2026-01-05. Review status: criteria provided, single submitter. Criteria: Invitae Variant Classification Sherloc (09022015). Collection method: clinical testing. Allele origin: germline.

GeneDx
Classification: Likely benign. Last evaluated: 2017-02-10. Review status: criteria provided, single submitter. Criteria: GeneDx Variant Classification (06012015). Collection method: clinical testing. Allele origin: germline. Affected: yes.
Comment: This variant is considered likely benign or benign based on one or more of the following criteria: it is a conservative change, it occurs at a poorly conserved position in the protein, it is predicted to be benign by multiple in silico algorithms, and/or has population frequency not consistent with disease.

NM_004984.4(KIF5A):c.1287C>T (p.Asp429=)

Gene: KIF5A (kinesin family member 5A; plus strand). Cytogenetic location: 12q13.3.
Variant type: single nucleotide variant.
Coding change: c.1287C>T on transcript NM_004984.4 (MANE Select); coding-DNA position 1287, C replaced by T.
Protein change: p.Asp429=; no amino-acid change (aspartic acid 429 retained).
Molecular consequence: synonymous variant.
Genome position (GRCh38, 1-based): chr12:57,570,156, C>T. VCF-style: chr12-57570156-C-T. GRCh37 (hg19) VCF-style: chr12-57963939-C-T.
Other names: c.1020C>T, p.Asp340= (NM_001354705.2).
Identifiers: ClinVar variation 517750 (VCV000517750.8), dbSNP rs760382029, ClinGen allele CA6652809.